The following is an entry in ClinVar:

ClinVar aggregate classification (germline): Benign/Likely benign. Review status: criteria provided, multiple submitters, no conflicts (2 of 4 stars). 5 submissions from 5 submitters: Benign (1); Likely benign (3). 1 of the submissions does not count toward it. Last evaluated 2025-12-16.

Conditions:
Epilepsy, progressive myoclonic, 1B. Also called: PME. Identifiers: Orphanet 308, MedGen C2676254, MONDO:0012904, OMIM 612437.
PRICKLE1-related disorder. Also called: PRICKLE1-Related Disorders; PRICKLE1-related condition. Identifiers: MedGen CN381536.

Allele frequency attached by ClinVar (database versions not stated): TOPMed 0.00009; gnomAD 0.00011; gnomAD exomes 0.00022; ESP Exome Variant Server 0.00023.
gnomAD v4.1: 328 of 1,608,672 alleles (0.02%); highest among the groups gnomAD compares: Non-Finnish European, 0.027%; no homozygotes.

Submissions (5):

Labcorp Genetics (formerly Invitae), Labcorp
Classification: Likely benign for Epilepsy, progressive myoclonic, 1B. Last evaluated: 2025-12-16. Review status: criteria provided, single submitter. Criteria: Invitae Variant Classification Sherloc (09022015). Collection method: clinical testing. Allele origin: germline.

Blueprint Genetics
Classification: Likely benign. Last evaluated: 2024-01-31. Review status: criteria provided, single submitter. Criteria: ACMG Guidelines, 2015. Collection method: clinical testing. Allele origin: germline.

CeGaT Center for Human Genetics Tuebingen
Classification: Likely benign. Last evaluated: 2022-06-01. Review status: criteria provided, single submitter. Criteria: CeGaT Center For Human Genetics Tuebingen Variant Classification Criteria Version 2. Collection method: clinical testing. Allele origin: germline. Affected: yes. Observed: 1 variant allele.
Comment: PRICKLE1: BP4, BP7

GeneDx
Classification: Benign. Last evaluated: 2015-07-20. Review status: criteria provided, single submitter. Criteria: GeneDx Variant Classification (06012015). Collection method: clinical testing. Allele origin: germline. Affected: yes.
Comment: This variant is considered likely benign or benign based on one or more of the following criteria: it is a conservative change, it occurs at a poorly conserved position in the protein, it is predicted to be benign by multiple in silico algorithms, and/or has population frequency not consistent with disease.

PreventionGenetics, part of Exact Sciences
Classification: Likely benign for PRICKLE1-related condition. Last evaluated: 2022-12-14. Review status: no assertion criteria provided. Collection method: clinical testing. Allele origin: germline. Not counted in ClinVar's aggregate classification.
Comment: This variant is classified as likely benign based on ACMG/AMP sequence variant interpretation guidelines (Richards et al. 2015 PMID: 25741868, with internal and published modifications).

NM_153026.3(PRICKLE1):c.1647G>A (p.Ser549=)

Gene: PRICKLE1 (prickle planar cell polarity protein 1; minus strand). Cytogenetic location: 12q12.
Variant type: single nucleotide variant.
Coding change: c.1647G>A on transcript NM_153026.3 (MANE Select); coding-DNA position 1647, G replaced by A.
Protein change: p.Ser549=; no amino-acid change (serine 549 retained).
Molecular consequence: synonymous variant.
Genome position (GRCh38, 1-based): chr12:42,460,658, C>T on the plus strand (G>A on the coding strand, the complement: PRICKLE1 is on the minus strand). VCF-style: chr12-42460658-C-T. GRCh37 (hg19) VCF-style: chr12-42854460-C-T.
Other names: c.1647G>A, p.Ser549= (NM_001144881.2, NM_001144882.2, NM_001144883.2).
Identifiers: ClinVar variation 378424 (VCV000378424.36), dbSNP rs149518219, ClinGen allele CA6519707.